The following is an entry in ClinVar:

NM_004667.6(HERC2):c.11690T>C (p.Phe3897Ser)

Gene: HERC2 (HECT and RLD domain containing E3 ubiquitin protein ligase 2; minus strand). Cytogenetic location: 15q13.1.
Variant type: single nucleotide variant.
Coding change: c.11690T>C on transcript NM_004667.6 (MANE Select); coding-DNA position 11690, T replaced by C.
Protein change: p.Phe3897Ser; replaces phenylalanine 3897 with serine.
Molecular consequence: missense variant.
Genome position (GRCh38, 1-based): chr15:28,142,248, A>G on the plus strand (T>C on the coding strand, the complement: HERC2 is on the minus strand). VCF-style: chr15-28142248-A-G. GRCh37 (hg19) VCF-style: chr15-28387394-A-G.
Other names: short protein forms F3897S.
Identifiers: ClinVar variation 4858344 (VCV004858344.1).

ClinVar aggregate classification (germline): Uncertain significance (1 of 4 stars; one submission).

Conditions:
Inborn genetic diseases. Identifiers: MedGen C0950123, MeSH D030342.

gnomAD v4.1: 104 of 1,613,956 alleles (0.0064%); highest among the groups gnomAD compares: Non-Finnish European, 0.0071%; 1 homozygote.

Submission:

Ambry Genetics
Classification: Uncertain significance for Inborn genetic diseases. Last evaluated: 2026-05-01. Review status: criteria provided, single submitter. Criteria: Ambry Variant Classification Scheme 2023. Collection method: clinical testing. Allele origin: germline.
Comment: The c.11690T>C (p.F3897S) alteration is located in exon 76 (coding exon 75) of the HERC2 gene. This alteration results from a T to C substitution at nucleotide position 11690, causing the phenylalanine (F) at amino acid position 3897 to be replaced by a serine (S). Based on data from gnomAD, the C allele has an overall frequency of 0.004% (11/251092) total alleles studied. The highest observed frequency was 0.033% (2/6120) of Other alleles. Based on insufficient or conflicting evidence, the clinical significance of this alteration remains unclear.